The following is an entry in ClinVar:

NM_153460.4(IL17RC):c.431T>G (p.Val144Gly)

Gene: IL17RC (interleukin 17 receptor C; plus strand). Cytogenetic location: 3p25.3.
Variant type: single nucleotide variant.
Coding change: c.431T>G on transcript NM_153460.4 (MANE Select); coding-DNA position 431, T replaced by G.
Protein change: p.Val144Gly; replaces valine 144 with glycine.
Molecular consequence: missense variant. On other transcripts: non-coding transcript variant (1).
Genome position (GRCh38, 1-based): chr3:9,918,575, T>G. VCF-style: chr3-9918575-T-G. GRCh37 (hg19) VCF-style: chr3-9960259-T-G.
Other names: c.431T>G, p.Val144Gly (NM_001203263.2, NM_001203264.2, NM_001203265.2 and 4 more transcripts); c.356T>G, p.Val119Gly (NM_001367279.1); c.644T>G, p.Val215Gly (NM_153461.4); short protein forms V119G, V144G, V215G.
Identifiers: ClinVar variation 1901924 (VCV001901924.5), dbSNP rs770141821, ClinGen allele CA2246836.

ClinVar aggregate classification (germline): Uncertain significance (1 of 4 stars; one submission).

Conditions:
Candidiasis, familial, 9 (CANDF9). Identifiers: Orphanet 1334, MedGen C4225324, MONDO:0014642, OMIM 616445.

Allele frequency attached by ClinVar (database versions not stated): ExAC 0.00002.
gnomAD v4.1: 19 of 1,614,070 alleles (0.0012%); highest among the groups gnomAD compares: South Asian, 0.019%; no homozygotes.

Submission:

Labcorp Genetics (formerly Invitae), Labcorp
Classification: Uncertain significance for Candidiasis, familial, 9. Last evaluated: 2022-03-12. Review status: criteria provided, single submitter. Criteria: Invitae Variant Classification Sherloc (09022015). Collection method: clinical testing. Allele origin: germline.
Comment: This variant is present in population databases (rs770141821, gnomAD 0.02%). This variant has not been reported in the literature in individuals affected with IL17RC-related conditions. This sequence change replaces valine, which is neutral and non-polar, with glycine, which is neutral and non-polar, at codon 215 of the IL17RC protein (p.Val215Gly). In summary, the available evidence is currently insufficient to determine the role of this variant in disease. Therefore, it has been classified as a Variant of Uncertain Significance. Algorithms developed to predict the effect of missense changes on protein structure and function are either unavailable or do not agree on the potential impact of this missense change (SIFT: "Deleterious"; PolyPhen-2: "Benign"; Align-GVGD: "Class C0").